The following is an entry in ClinVar:

ClinVar aggregate classification (germline): Likely benign. Review status: criteria provided, multiple submitters, no conflicts (2 of 4 stars). 2 submissions from 2 submitters: Likely benign (2). Last evaluated 2025-09-12.

Conditions:
MAP3K20-related disorder. Also called: MAP3K20-related condition.

Submissions (2):

PreventionGenetics, part of Exact Sciences
Classification: Likely benign for MAP3K20-related condition. Last evaluated: 2025-09-12. Review status: criteria provided, single submitter. Criteria: ACMG Guidelines, 2015. Collection method: clinical testing. Allele origin: germline.
Comment: This variant is classified as likely benign based on ACMG/AMP sequence variant interpretation guidelines (Richards et al. 2015 PMID: 25741868, with internal and published modifications).

Blueprint Genetics
Classification: Likely benign. Last evaluated: 2024-11-12. Review status: criteria provided, single submitter. Criteria: ACMG Guidelines, 2015. Collection method: clinical testing. Allele origin: germline.

NM_016653.3(MAP3K20):c.987+4224GAT[7]

Genes: MAP3K20 (mitogen-activated protein kinase kinase kinase 20; plus strand), MAP3K20-AS1 (MAP3K20 antisense RNA 1; minus strand). Cytogenetic location: 2q31.1.
Variant type: Microsatellite.
Coding change: c.987+4224GAT[7] on transcript NM_016653.3 (MANE Select); seven copies in a row of the 3-base unit GAT starting at c.987+4224.
Molecular consequence: intron variant.
Genome position: GRCh38 VCF-style: chr2-173221473-C-CGATGAT. GRCh37 (hg19) VCF-style: chr2-174086201-C-CGATGAT.
Other names: c.1314TGA[7], p.Asp443_Gly444insAspAsp (NM_133646.3); c.1323_1328dup6 (NM_133646.2).
Identifiers: ClinVar variation 4957759 (VCV004957759.2).